The following is an entry in ClinVar:

ClinVar aggregate classification (germline): Uncertain significance (1 of 4 stars; one submission).

Submission:

GeneDx
Classification: Uncertain significance. Last evaluated: 2025-04-30. Review status: criteria provided, single submitter. Criteria: GeneDx Variant Classification Process June 2021. Collection method: clinical testing. Allele origin: germline. Affected: yes.
Comment: Not observed at significant frequency in large population cohorts (gnomAD); In silico analysis supports that this missense variant has a deleterious effect on protein structure/function; Has not been previously published as pathogenic or benign to our knowledge

NM_001123385.2(BCOR):c.704C>T (p.Ser235Phe)

Genes: BCOR (BCL6 corepressor; minus strand), LOC126863239 (MED14-independent group 3 enhancer GRCh37_chrX:39932994-39934193; plus strand). Cytogenetic location: Xp11.4.
Variant type: single nucleotide variant.
Coding change: c.704C>T on transcript NM_001123385.2 (MANE Select); coding-DNA position 704, C replaced by T.
Protein change: p.Ser235Phe; replaces serine 235 with phenylalanine.
Molecular consequence: missense variant.
Genome position (GRCh38, 1-based): chrX:40,074,642, G>A on the plus strand (C>T on the coding strand, the complement: BCOR is on the minus strand). VCF-style: chrX-40074642-G-A. GRCh37 (hg19) VCF-style: chrX-39933895-G-A.
Other names: c.704C>T, p.Ser235Phe (NM_001123383.2, NM_001123384.2, NM_001437510.1 and 4 more transcripts); short protein forms S235F.
Identifiers: ClinVar variation 4527974 (VCV004527974.1).
Genomic context (GRCh38, chrX:40,074,642, plus strand): 5'-GGACCGACGTAGTGAGGTGGCGGCAGGTAGAGAAAGCGCTCCCCATTGGTGCAGACTGGA[G>A]AATACAGCGGCTGGGCCAAGCTGTAGGACTGCTGAGGTAGCAAGGCCTTGTACATGTTCA-3'
Protein context (NP_001116857.1, residues 225-245): QSYSLAQPLY[Ser235Phe]PVCTNGERFL